The following is an entry in ClinVar:

NM_006147.4(IRF6):c.*1329C>T

Gene: IRF6 (interferon regulatory factor 6; minus strand). Cytogenetic location: 1q32.2.
Variant type: single nucleotide variant.
Coding change: c.*1329C>T on transcript NM_006147.4 (MANE Select); 1329 bases downstream of the stop codon, C replaced by T.
Molecular consequence: 3 prime UTR variant.
Genome position (GRCh38, 1-based): chr1:209,787,091, G>A on the plus strand (C>T on the coding strand, the complement: IRF6 is on the minus strand). VCF-style: chr1-209787091-G-A. GRCh37 (hg19) VCF-style: chr1-209960436-G-A.
Other names: c.*1329C>T (NM_001206696.2).
Identifiers: ClinVar variation 295184 (VCV000295184.6), dbSNP rs2235372, ClinGen allele CA10609604.
Genomic context (GRCh38, chr1:209,787,091, plus strand): 5'-CATAGCAAGACCTCATCTCTACAAAAATAAAAAAAAAATTAGCCAAGCATCATAGTGCAC[G>A]ACTGTTGTCCCAACTACTCAGGAGGCTGGGGCAGGACGATTGCTTGAGCCCAGGAGCTTA-3'

ClinVar aggregate classification (germline): Benign. Review status: criteria provided, multiple submitters, no conflicts (2 of 4 stars). 3 submissions from 2 submitters: Benign (3). Last evaluated 2018-01-12.

Conditions:
Orofacial cleft 6, susceptibility to (OFC6). Also called: CLEFT LIP WITH OR WITHOUT CLEFT PALATE, NONSYNDROMIC, 6. Identifiers: MedGen C1837213, MONDO:0012141, OMIM 608864.
Van der Woude syndrome 1. Also called: CLEFT LIP AND/OR PALATE WITH MUCOUS CYSTS OF LOWER LIP; van der Woude Syndrome (VWS). Identifiers: MedGen C4551864, MONDO:0007333, OMIM 119300.

Allele frequency attached by ClinVar (database versions not stated): gnomAD exomes 0.18148; gnomAD 0.22102 and 0.22609; TOPMed 0.24056; 1000 Genomes Project 30x 0.29606; 1000 Genomes Project 0.29912.
gnomAD v4.1: 34,416 of 152,532 alleles (23%); highest among the groups gnomAD compares: East Asian, 47%; 4,446 homozygotes.

Submissions (3):

Illumina Laboratory Services, Illumina
Classification: Benign for Van der Woude syndrome 1. Last evaluated: 2018-01-12. Review status: criteria provided, single submitter. Criteria: ICSL Variant Classification Criteria 13 December 2019. Collection method: clinical testing. Allele origin: germline.
Comment: This variant was observed in the ICSL laboratory as part of a predisposition screen in an ostensibly healthy population. It had not been previously curated by ICSL or reported in the Human Gene Mutation Database (HGMD: prior to June 1st, 2018), and was therefore a candidate for classification through an automated scoring system. Utilizing variant allele frequency, disease prevalence and penetrance estimates, and inheritance mode, an automated score was calculated to assess if this variant is too frequent to cause the disease. Based on the score and internal cut-off values, a variant classified as benign is not then subjected to further curation. The score for this variant resulted in a classification of benign for this disease.

Illumina Laboratory Services, Illumina
Classification: Benign for Orofacial cleft 6, susceptibility to. Last evaluated: 2018-01-12. Review status: criteria provided, single submitter. Criteria: ICSL Variant Classification Criteria 13 December 2019. Collection method: clinical testing. Allele origin: germline.
Comment: the same text as in the submission from Illumina Laboratory Services, Illumina above.

Breakthrough Genomics
Classification: Benign. Review status: criteria provided, single submitter. Criteria: ACMG Guidelines, 2015. Collection method: not provided. Allele origin: germline. Inheritance: Autosomal dominant inheritance. Affected: yes.